The following is an entry in ClinVar:

ClinVar aggregate classification (germline): Likely pathogenic (1 of 4 stars; one submission).

Conditions:
Autosomal recessive limb-girdle muscular dystrophy type 2J (LGMDR10). Also called: MUSCULAR DYSTROPHY, LIMB-GIRDLE, AUTOSOMAL RECESSIVE 10; Limb-girdle muscular dystrophy, type 2J. Identifiers: Orphanet 140922, MedGen C1837342, MONDO:0012127, OMIM 608807.
Tibial muscular dystrophy (TMD). Also called: Tibial muscular dystrophy, tardive; UDD MYOPATHY; Udd Distal Myopathy – Tibial Muscular Dystrophy. Identifiers: Orphanet 609, MedGen C1838244, MONDO:0010870, OMIM 600334.

Submission:

Kariminejad - Najmabadi Pathology & Genetics Center
Classification: Likely pathogenic for Autosomal recessive limb-girdle muscular dystrophy type 2J; Tibial muscular dystrophy. Last evaluated: 2022-03-27. Review status: criteria provided, single submitter. Criteria: ACMG Guidelines, 2015. Collection method: clinical testing. Allele origin: germline. Inheritance: Autosomal recessive inheritance. Affected: yes.
Comment: PVS1, PM2

NM_001267550.2(TTN):c.107316C>A (p.Tyr35772Ter)

Genes: TTN (titin; minus strand), TTN-AS1 (TTN antisense RNA 1; plus strand). Cytogenetic location: 2q31.2.
Variant type: single nucleotide variant.
Coding change: c.107316C>A on transcript NM_001267550.2 (MANE Select); coding-DNA position 107316, C replaced by A.
Protein change: p.Tyr35772Ter; replaces tyrosine 35772 with a stop codon.
Molecular consequence: nonsense.
Genome position (GRCh38, 1-based): chr2:178,528,335, G>T on the plus strand (C>A on the coding strand, the complement: TTN is on the minus strand). VCF-style: chr2-178528335-G-T. GRCh37 (hg19) VCF-style: chr2-179393062-G-T.
Other names: c.102393C>A, p.Tyr34131Ter (NM_001256850.1); c.80121C>A, p.Tyr26707Ter (NM_003319.4); c.99612C>A, p.Tyr33204Ter (NM_133378.4); c.80496C>A, p.Tyr26832Ter (NM_133432.3); c.80697C>A, p.Tyr26899Ter (NM_133437.4); short protein forms Y26707*, Y26832*, Y26899*, Y33204*, Y34131*, Y35772*.
Identifiers: ClinVar variation 3897047 (VCV003897047.1).